The following is an entry in ClinVar:

ClinVar aggregate classification (germline): Pathogenic (0 of 4 stars; one submission).

Conditions:
Dystonic disorder. Also called: Dystonia. Identifiers: MedGen C0013421, MONDO:0003441, HP:0001332.
Optic atrophy. Identifiers: MedGen C0029124, MONDO:0003608, HP:0000648.
Abnormal cerebellum morphology. Also called: Abnormality of the cerebellum; Cerebellar abnormalities; Cerebellar abnormality; Cerebellar anomaly; Cerebellar signs. Identifiers: MedGen C1866129, HP:0001317.

Submission:

Neurogenetics, IRCCS Istituto delle Scienze Neurologiche di Bologna
Classification: Pathogenic for Optic atrophy; Dystonic disorder; Abnormal cerebellum morphology. Review status: no assertion criteria provided. Collection method: research. Allele origin: germline. Affected: yes. Observed: 1 variant allele.
Comment: Optic Atrophy 12, OPA12

Literature cited by the submitters: PubMed 32219868.

NM_006796.3(AFG3L2):c.[1901_1902del;916A>G]

Variant type: Haplotype.
Identifiers: ClinVar variation 973111 (VCV000973111.1).